The following is an entry in ClinVar:

NM_020320.5(RARS2):c.1511+2T>C

Gene: RARS2 (arginyl-tRNA synthetase 2, mitochondrial; minus strand). Cytogenetic location: 6q15.
Variant type: single nucleotide variant.
Coding change: c.1511+2T>C on transcript NM_020320.5 (MANE Select); the canonical splice donor site of the intron after coding-DNA position 1511, T replaced by C.
Molecular consequence: splice donor variant.
Genome position (GRCh38, 1-based): chr6:87,518,167, A>G on the plus strand (T>C on the coding strand, the complement: RARS2 is on the minus strand). VCF-style: chr6-87518167-A-G. GRCh37 (hg19) VCF-style: chr6-88227885-A-G.
Other names: c.1511+2T>C (NM_001350505.2); c.986+2T>C (NM_001350509.2, NM_001318785.2, NM_001350506.2 and 4 more transcripts).
Identifiers: ClinVar variation 1522482 (VCV001522482.8), dbSNP rs2127998973, ClinGen allele CA364920527.

ClinVar aggregate classification (germline): Likely pathogenic (1 of 4 stars; one submission).

Submission:

Labcorp Genetics (formerly Invitae), Labcorp
Classification: Likely pathogenic. Last evaluated: 2022-09-26. Review status: criteria provided, single submitter. Criteria: Invitae Variant Classification Sherloc (09022015). Collection method: clinical testing. Allele origin: germline.
Comment: This sequence change affects a donor splice site in intron 17 of the RARS2 gene. It is expected to disrupt RNA splicing. Variants that disrupt the donor or acceptor splice site typically lead to a loss of protein function (PMID: 16199547), and loss-of-function variants in RARS2 are known to be pathogenic (PMID: 17847012, 22569581, 26083569). This variant is not present in population databases (gnomAD no frequency). This variant has not been reported in the literature in individuals affected with RARS2-related conditions. ClinVar contains an entry for this variant (Variation ID: 1522482). Algorithms developed to predict the effect of sequence changes on RNA splicing suggest that this variant may disrupt the consensus splice site. In summary, the currently available evidence indicates that the variant is pathogenic, but additional data are needed to prove that conclusively. Therefore, this variant has been classified as Likely Pathogenic.

Literature cited by the submitters: PubMed 16199547; PubMed 17847012; PubMed 22569581; PubMed 26083569.